The following is an entry in ClinVar:

ClinVar aggregate classification (germline): Uncertain significance. Review status: criteria provided, multiple submitters, no conflicts (2 of 4 stars). 3 submissions from 3 submitters: Uncertain significance (3). Last evaluated 2026-09-13.

Conditions:
Congenital contractural arachnodactyly (CCA). Also called: BEALS SYNDROME; Arthrogryposis, distal, type 9; Beals-Hecht syndrome. Identifiers: Orphanet 115, MedGen C0220668, MONDO:0007363, OMIM 121050.
Familial thoracic aortic aneurysm and aortic dissection (TAAD). Also called: Thoracic aortic aneurysms and dissections. Identifiers: Orphanet 91387, MedGen C4707243, MONDO:0019625.

Allele frequency attached by ClinVar (database versions not stated): gnomAD 0.00001; TOPMed 0.00001; gnomAD exomes 0.00001.
gnomAD v4.1: 14 of 1,613,296 alleles (0.00087%); highest among the groups gnomAD compares: African/African-American, 0.0013%; no homozygotes.

Submissions (3):

Ambry Genetics
Classification: Uncertain significance for Familial thoracic aortic aneurysm and aortic dissection. Last evaluated: 2026-09-13. Review status: criteria provided, single submitter. Criteria: Ambry Variant Classification Scheme 2023. Collection method: clinical testing. Allele origin: germline.
Comment: The p.L2809P variant (also known as c.8426T>C), located in coding exon 65 of the FBN2 gene, results from a T to C substitution at nucleotide position 8426. The leucine at codon 2809 is replaced by proline, an amino acid with similar properties. This amino acid position is conserved. In addition, the in silico prediction for this alteration is inconclusive. Based on the available evidence, the clinical significance of this variant remains unclear.

Labcorp Genetics (formerly Invitae), Labcorp
Classification: Uncertain significance for Congenital contractural arachnodactyly. Last evaluated: 2025-11-18. Review status: criteria provided, single submitter. Criteria: Invitae Variant Classification Sherloc (09022015). Collection method: clinical testing. Allele origin: germline.
Comment: This sequence change replaces leucine, which is neutral and non-polar, with proline, which is neutral and non-polar, at codon 2809 of the FBN2 protein (p.Leu2809Pro). This variant is present in population databases (no rsID available, gnomAD 0.002%). This variant has not been reported in the literature in individuals affected with FBN2-related conditions. ClinVar contains an entry for this variant (Variation ID: 213373). Invitae Evidence Modeling of protein sequence and biophysical properties (such as structural, functional, and spatial information, amino acid conservation, physicochemical variation, residue mobility, and thermodynamic stability) indicates that this missense variant is not expected to disrupt FBN2 protein function with a negative predictive value of 80%. In summary, the available evidence is currently insufficient to determine the role of this variant in disease. Therefore, it has been classified as a Variant of Uncertain Significance.

Illumina Laboratory Services, Illumina
Classification: Uncertain significance for Congenital contractural arachnodactyly. Last evaluated: 2018-01-12. Review status: criteria provided, single submitter. Criteria: ICSL Variant Classification Criteria 13 December 2019. Collection method: clinical testing. Allele origin: germline.

NM_001999.4(FBN2):c.8426T>C (p.Leu2809Pro)

Gene: FBN2 (fibrillin 2; minus strand). Cytogenetic location: 5q23.3.
Variant type: single nucleotide variant.
Coding change: c.8426T>C on transcript NM_001999.4 (MANE Select); coding-DNA position 8426, T replaced by C.
Protein change: p.Leu2809Pro; replaces leucine 2809 with proline.
Molecular consequence: missense variant.
Genome position (GRCh38, 1-based): chr5:128,259,768, A>G on the plus strand (T>C on the coding strand, the complement: FBN2 is on the minus strand). VCF-style: chr5-128259768-A-G. GRCh37 (hg19) VCF-style: chr5-127595460-A-G.
Other names: short protein forms L2809P.
Identifiers: ClinVar variation 213373 (VCV000213373.9), dbSNP rs863223591, ClinGen allele CA323971.